The following is an entry in ClinVar:

NM_001111.5(ADAR):c.823G>T (p.Gly275Cys)

Gene: ADAR (adenosine deaminase RNA specific; minus strand). Cytogenetic location: 1q21.3.
Variant type: single nucleotide variant.
Coding change: c.823G>T on transcript NM_001111.5 (MANE Select); coding-DNA position 823, G replaced by T.
Protein change: p.Gly275Cys; replaces glycine 275 with cysteine.
Molecular consequence: missense variant. On other transcripts: 5 prime UTR variant (6).
Genome position (GRCh38, 1-based): chr1:154,601,819, C>A on the plus strand (G>T on the coding strand, the complement: ADAR is on the minus strand). VCF-style: chr1-154601819-C-A. GRCh37 (hg19) VCF-style: chr1-154574295-C-A.
Other names: c.-63G>T (NM_001025107.3, NM_001193495.2, NM_001365046.1 and 3 more transcripts); c.850G>T, p.Gly284Cys (NM_001365045.1); c.823G>T, p.Gly275Cys (NM_015840.4, NM_015841.4); short protein forms G275C, G284C.
Identifiers: ClinVar variation 1514821 (VCV001514821.8), dbSNP rs867384981, ClinGen allele CA342599841.

ClinVar aggregate classification (germline): Uncertain significance (1 of 4 stars; one submission).

Conditions:
Symmetrical dyschromatosis of extremities (DSH). Also called: DYSCHROMATOSIS SYMMETRICA HEREDITARIA 1; RETICULATE ACROPIGMENTATION OF DOHI; SYMMETRIC DYSCHROMATOSIS OF THE EXTREMITIES; Dyschromatosis symmetrica hereditaria. Identifiers: Orphanet 41, MedGen C0406775, MONDO:0007483, OMIM 127400.
Aicardi-Goutieres syndrome 6 (AGS6). Identifiers: Orphanet 51, MedGen C3539013, MONDO:0014007, OMIM 615010.

Allele frequency attached by ClinVar (database versions not stated): gnomAD exomes 0.00001.
gnomAD v4.1: 8 of 1,614,100 alleles (0.0005%); highest among the groups gnomAD compares: Non-Finnish European, 0.00068%; no homozygotes.

Submission:

Labcorp Genetics (formerly Invitae), Labcorp
Classification: Uncertain significance for Aicardi-Goutieres syndrome 6; Symmetrical dyschromatosis of extremities. Last evaluated: 2023-12-11. Review status: criteria provided, single submitter. Criteria: Invitae Variant Classification Sherloc (09022015). Collection method: clinical testing. Allele origin: germline.
Comment: This sequence change replaces glycine, which is neutral and non-polar, with cysteine, which is neutral and slightly polar, at codon 275 of the ADAR protein (p.Gly275Cys). This variant is not present in population databases (gnomAD no frequency). This variant has not been reported in the literature in individuals affected with ADAR-related conditions. ClinVar contains an entry for this variant (Variation ID: 1514821). An algorithm developed to predict the effect of missense changes on protein structure and function (PolyPhen-2) suggests that this variant is likely to be tolerated. In summary, the available evidence is currently insufficient to determine the role of this variant in disease. Therefore, it has been classified as a Variant of Uncertain Significance.